The following is an entry in ClinVar:

NM_000199.5(SGSH):c.714del (p.Gln239fs)

Gene: SGSH (N-sulfoglucosamine sulfohydrolase; minus strand). Cytogenetic location: 17q25.3.
Variant type: Deletion.
Coding change: c.714del on transcript NM_000199.5 (MANE Select); coding-DNA position 714, one base deleted (T; older notation c.714delT).
Protein change: p.Gln239fs; shifts the reading frame from glutamine 239.
Molecular consequence: frameshift variant. On other transcripts: non-coding transcript variant (1).
Genome position (GRCh38, 1-based): chr17:80,213,835, A deleted on the plus strand (T on the coding strand, the reverse complement: SGSH is on the minus strand). VCF-style (leftmost placement, unchanged base first): chr17-80213834-GA-G. GRCh37 (hg19) VCF-style: chr17-78187633-GA-G.
Other names: c.714del, p.Gln239fs (NM_001352921.3, NM_001352922.2); short protein forms Q239fs.
Identifiers: ClinVar variation 2017325 (VCV002017325.4), dbSNP rs2510886408, ClinGen allele CA2580095321.

ClinVar aggregate classification (germline): Pathogenic (1 of 4 stars; one submission).

Conditions:
Mucopolysaccharidosis, MPS-III-A (MPS3A). Also called: HEPARAN SULFATE SULFATASE DEFICIENCY; SANFILIPPO SYNDROME A; SULFAMIDASE DEFICIENCY; MPS III A; Mucopolysaccharidosis type IIIA (Sanfilippo A); Mucopolysaccharidosis, type IIIA. Identifiers: Orphanet 581, Orphanet 79269, MedGen C0086647, MONDO:0009655, OMIM 252900.

Submission:

Labcorp Genetics (formerly Invitae), Labcorp
Classification: Pathogenic for Mucopolysaccharidosis, MPS-III-A. Last evaluated: 2022-07-15. Review status: criteria provided, single submitter. Criteria: Invitae Variant Classification Sherloc (09022015). Collection method: clinical testing. Allele origin: germline.
Comment: For these reasons, this variant has been classified as Pathogenic. This variant has not been reported in the literature in individuals affected with SGSH-related conditions. This variant is not present in population databases (gnomAD no frequency). This sequence change creates a premature translational stop signal (p.Gln239Serfs*25) in the SGSH gene. It is expected to result in an absent or disrupted protein product. Loss-of-function variants in SGSH are known to be pathogenic (PMID: 11182930, 21204211, 22976768).

Literature cited by the submitters: PubMed 11182930; PubMed 21204211; PubMed 22976768.